The following is an entry in ClinVar:

ClinVar aggregate classification (germline): Uncertain significance (1 of 4 stars; one submission).

Submission:

Ambry Genetics
Classification: Uncertain significance. Last evaluated: 2023-07-12. Review status: criteria provided, single submitter. Criteria: Ambry Variant Classification Scheme 2023. Collection method: clinical testing. Allele origin: germline.
Comment: The p.L458S variant (also known as c.1373T>C), located in coding exon 1 of the MLH3 gene, results from a T to C substitution at nucleotide position 1373. The leucine at codon 458 is replaced by serine, an amino acid with dissimilar properties. This amino acid position is conserved. In addition, this alteration is predicted to be tolerated by in silico analysis. Since supporting evidence is limited at this time, the clinical significance of this alteration remains unclear.

NM_001040108.2(MLH3):c.1373T>C (p.Leu458Ser)

Gene: MLH3 (mutL homolog 3; minus strand). Cytogenetic location: 14q24.3.
Variant type: single nucleotide variant.
Coding change: c.1373T>C on transcript NM_001040108.2 (MANE Select); coding-DNA position 1373, T replaced by C.
Protein change: p.Leu458Ser; replaces leucine 458 with serine.
Molecular consequence: missense variant.
Genome position (GRCh38, 1-based): chr14:75,048,283, A>G on the plus strand (T>C on the coding strand, the complement: MLH3 is on the minus strand). VCF-style: chr14-75048283-A-G. GRCh37 (hg19) VCF-style: chr14-75514986-A-G.
Other names: c.1373T>C, p.Leu458Ser (NM_014381.3); short protein forms L458S.
Identifiers: ClinVar variation 2625646 (VCV002625646.2), dbSNP rs2503297091, ClinGen allele CA390446154.